The following is an entry in ClinVar:

NM_138713.4(NFAT5):c.3042A>C (p.Gln1014His)

Gene: NFAT5 (nuclear factor of activated T cells 5; plus strand). Cytogenetic location: 16q22.1.
Variant type: single nucleotide variant.
Coding change: c.3042A>C on transcript NM_138713.4 (MANE Select); coding-DNA position 3042, A replaced by C.
Protein change: p.Gln1014His; replaces glutamine 1014 with histidine.
Molecular consequence: missense variant.
Genome position (GRCh38, 1-based): chr16:69,692,867, A>C. VCF-style: chr16-69692867-A-C. GRCh37 (hg19) VCF-style: chr16-69726770-A-C.
Other names: c.3039A>C, p.Gln1013His (NM_001113178.3); c.2367A>C, p.Gln789His (NM_001367709.1); c.2988A>C, p.Gln996His (NM_006599.4); c.2760A>C, p.Gln920His (NM_138714.4, NM_173214.3, NM_173215.3); short protein forms Q920H, Q996H, Q1013H, Q1014H, Q789H.
Identifiers: ClinVar variation 1369703 (VCV001369703.8), dbSNP rs759482158, ClinGen allele CA396512111.

ClinVar aggregate classification (germline): Uncertain significance (1 of 4 stars; one submission).

Conditions:
Immunodeficiency. Identifiers: MedGen C0021051, MONDO:0021094, HP:0002721.

gnomAD v4.1: 17 of 1,614,130 alleles (0.0011%); highest among the groups gnomAD compares: Non-Finnish European, 0.0014%; no homozygotes.

Submission:

Labcorp Genetics (formerly Invitae), Labcorp
Classification: Uncertain significance for Immunodeficiency. Last evaluated: 2026-01-21. Review status: criteria provided, single submitter. Criteria: Invitae Variant Classification Sherloc (09022015). Collection method: clinical testing. Allele origin: germline.
Comment: This sequence change replaces glutamine, which is neutral and polar, with histidine, which is basic and polar, at codon 920 of the NFAT5 protein (p.Gln920His). This variant is present in population databases (no rsID available, gnomAD 0.01%). This variant has not been reported in the literature in individuals affected with NFAT5-related conditions. ClinVar contains an entry for this variant (Variation ID: 1369703). An algorithm developed to predict the effect of missense changes on protein structure and function (PolyPhen-2) suggests that this variant is likely to be disruptive. In summary, the available evidence is currently insufficient to determine the role of this variant in disease. Therefore, it has been classified as a Variant of Uncertain Significance.